The following is an entry in ClinVar:

NM_002476.2(MYL4):c.167T>C (p.Phe56Ser)

Gene: MYL4 (myosin light chain 4; plus strand). Cytogenetic location: 17q21.32.
Variant type: single nucleotide variant.
Coding change: c.167T>C on transcript NM_002476.2 (MANE Select); coding-DNA position 167, T replaced by C.
Protein change: p.Phe56Ser; replaces phenylalanine 56 with serine.
Molecular consequence: missense variant.
Genome position (GRCh38, 1-based): chr17:47,219,907, T>C. VCF-style: chr17-47219907-T-C. GRCh37 (hg19) VCF-style: chr17-45297273-T-C.
Other names: c.167T>C, p.Phe56Ser (NM_001002841.2); short protein forms F56S.
Identifiers: ClinVar variation 476199 (VCV000476199.17), dbSNP rs144870368, ClinGen allele CA8622671.

ClinVar aggregate classification (germline): Conflicting classifications of pathogenicity. Review status: criteria provided, conflicting classifications (1 of 4 stars). 6 submissions from 6 submitters: Uncertain significance (2); Likely benign (4). Last evaluated 2026-01-31.

Conditions:
Atrial fibrillation, familial, 18 (ATFB18). Identifiers: MedGen C4310636, MONDO:0015001, OMIM 617280.

Allele frequency attached by ClinVar (database versions not stated): gnomAD exomes 0.00015 and 0.00038; ExAC 0.00049; gnomAD 0.00136 and 0.00147; ESP Exome Variant Server 0.00138; TOPMed 0.00138; 1000 Genomes Project 0.00160; 1000 Genomes Project 30x 0.00172.
gnomAD v4.1: 432 of 1,614,204 alleles (0.027%); highest among the groups gnomAD compares: African/African-American, 0.53%; no homozygotes.

Submissions (6):

Labcorp Genetics (formerly Invitae), Labcorp
Classification: Likely benign for Atrial fibrillation, familial, 18. Last evaluated: 2026-01-31. Review status: criteria provided, single submitter. Criteria: Invitae Variant Classification Sherloc (09022015). Collection method: clinical testing. Allele origin: germline.

Ambry Genetics
Classification: Uncertain significance. Last evaluated: 2025-08-09. Review status: criteria provided, single submitter. Criteria: Ambry Variant Classification Scheme 2023. Collection method: clinical testing. Allele origin: germline.

Blueprint Genetics
Classification: Likely benign. Last evaluated: 2024-11-27. Review status: criteria provided, single submitter. Criteria: ACMG Guidelines, 2015. Collection method: clinical testing. Allele origin: germline.

Center for Genomics, Ann and Robert H. Lurie Children's Hospital of Chicago
Classification: Uncertain significance for Atrial fibrillation, familial, 18. Last evaluated: 2021-03-30. Review status: criteria provided, single submitter. Criteria: ACMG Guidelines, 2015. Collection method: clinical testing. Allele origin: germline.
Comment: MYL4 NM_001002841.1 exon 4 p.Phe56Ser (c.167T>C): This variant has not been reported in the literature and is present in 0.5% (131/24972) of African alleles in the Genome Aggregation Database. This variant is present in ClinVar (Variation ID:476199). Evolutionary conservation and computational predictive tools suggest that this variant may impact the protein. In summary, data on this variant is insufficient for disease classification. Therefore, the clinical significance of this variant is uncertain.

GeneDx
Classification: Likely benign. Last evaluated: 2021-01-22. Review status: criteria provided, single submitter. Criteria: GeneDx Variant Classification Process June 2021. Collection method: clinical testing. Allele origin: germline. Affected: yes.
Comment: Has not been previously published as pathogenic or benign to our knowledge; Reported in ClinVar as a likely benign variant but additional evidence is not available (ClinVar Variant ID# 476199; Landrum et al., 2016)

Breakthrough Genomics
Classification: Likely benign. Review status: criteria provided, single submitter. Criteria: ACMG Guidelines, 2015. Collection method: not provided. Allele origin: germline. Inheritance: Autosomal dominant inheritance. Affected: yes.